The following is an entry in ClinVar:

NM_000455.5(STK11):c.1130C>T (p.Ala377Val)

Gene: STK11 (serine/threonine kinase 11; plus strand). Cytogenetic location: 19p13.3.
Variant type: single nucleotide variant.
Coding change: c.1130C>T on transcript NM_000455.5 (MANE Select); coding-DNA position 1130, C replaced by T.
Protein change: p.Ala377Val; replaces alanine 377 with valine.
Molecular consequence: missense variant.
Genome position (GRCh38, 1-based): chr19:1,226,475, C>T. VCF-style: chr19-1226475-C-T. GRCh37 (hg19) VCF-style: chr19-1226474-C-T.
Other names: short protein forms A377V.
Identifiers: ClinVar variation 141991 (VCV000141991.39), dbSNP rs199973552, ClinGen allele CA022340.

ClinVar aggregate classification (germline): Conflicting classifications of pathogenicity. Review status: criteria provided, conflicting classifications (1 of 4 stars). 11 submissions from 11 submitters: Uncertain significance (5); Likely benign (5). 1 of the submissions does not count toward it. Last evaluated 2025-12-08.

Conditions:
Hereditary cancer-predisposing syndrome. Also called: Tumor predisposition; Hereditary neoplastic syndrome; Hereditary Cancer Syndrome; Neoplastic Syndromes, Hereditary. Identifiers: Orphanet 140162, MedGen C0027672, MeSH D009386, MONDO:0015356.
Peutz-Jeghers syndrome (PJS). Also called: Peutz-Jeghers polyposis; Periorificial lentiginosis syndrome; POLYPOSIS, HAMARTOMATOUS INTESTINAL; POLYPS-AND-SPOTS SYNDROME. Identifiers: Orphanet 2869, MedGen C0031269, MeSH D010580, MONDO:0008280, OMIM 175200.

Allele frequency attached by ClinVar (database versions not stated): gnomAD 0.00003; TOPMed 0.00003; gnomAD exomes 0.00005; ExAC 0.00009; ESP Exome Variant Server 0.00016.

Submissions (12):

Labcorp Genetics (formerly Invitae), Labcorp
Classification: Likely benign for Peutz-Jeghers syndrome. Last evaluated: 2025-12-08. Review status: criteria provided, single submitter. Criteria: Invitae Variant Classification Sherloc (09022015). Collection method: clinical testing. Allele origin: germline.

CeGaT Center for Human Genetics Tuebingen
Classification: Likely benign. Last evaluated: 2025-03-01. Review status: criteria provided, single submitter. Criteria: CeGaT Center For Human Genetics Tuebingen Variant Classification Criteria Version 2. Collection method: clinical testing. Allele origin: germline. Affected: yes. Observed: 1 variant allele.
Comment: STK11: BP4, BS1

Laboratory of Genetics, Children's Clinical University Hospital Latvia
Classification: Likely benign. Last evaluated: 2025-02-16. Review status: criteria provided, single submitter. Criteria: ACMG Guidelines, 2015. Collection method: clinical testing. Allele origin: germline. Affected: yes.

Women's Health and Genetics/Laboratory Corporation of America, LabCorp
Classification: Likely benign. Last evaluated: 2025-02-04. Review status: criteria provided, single submitter. Criteria: LabCorp Variant Classification Summary - May 2015. Collection method: clinical testing. Allele origin: germline.
Comment: Variant summary: STK11 c.1130C>T (p.Ala377Val) results in a non-conservative amino acid change in the encoded protein sequence. Four of five in-silico tools predict a benign effect of the variant on protein function. The variant allele was found at a frequency of 5e-05 in 241824 control chromosomes. The observed variant frequency is approximately 7.94 fold of the estimated maximal expected allele frequency for a pathogenic variant in STK11 causing Peutz-Jeghers Syndrome phenotype (6.3e-06). c.1130C>T has been reported in the literature in at-least two individuals with colorectal cancer (example: Rohlin_2017, Svensson_2022), one of whom had co-inheritance of a pathogenic MLH1 variant and the other of whom had synchronous endometrial cancer. These report(s) do not provide unequivocal conclusions about association of the variant with Peutz-Jeghers Syndrome. To our knowledge, no experimental evidence demonstrating an impact on protein function has been reported. The following publications have been ascertained in the context of this evaluation (PMID: 27696107, 35430768). ClinVar contains an entry for this variant (Variation ID: 141991). Based on the evidence outlined above, the variant was classified as likely benign.

All of Us Research Program, National Institutes of Health
Classification: Uncertain significance for Peutz-Jeghers syndrome. Last evaluated: 2024-02-05. Review status: criteria provided, single submitter. Criteria: ACMG Guidelines, 2015. Collection method: clinical testing. Allele origin: germline. Inheritance: Autosomal dominant inheritance. Observed: 11 variant alleles, 11 heterozygotes.
Comment: This missense variant replaces alanine with valine at codon 377 of the STK11 protein. Computational prediction suggests that this variant may not impact protein structure and function (internally defined REVEL score threshold <= 0.5, PMID: 27666373). To our knowledge, functional studies have not been reported for this variant. This variant has been reported in 1 individual affected with colorectal cancer (PMID 27696107). This variant has been identified in 12/241824 chromosomes in the general population by the Genome Aggregation Database (gnomAD). The available evidence is insufficient to determine the role of this variant in disease conclusively. Therefore, this variant is classified as a Variant of Uncertain Significance.

This study involves interpretation of variants in research participants for the purpose of population health screening. Participant phenotype was not available at the time of variant classification. Additional details can be found in publication PMID: 35346344, PMCID: PMC8962531

Color Diagnostics, LLC DBA Color Health
Classification: Uncertain significance for Hereditary cancer-predisposing syndrome. Last evaluated: 2024-01-29. Review status: criteria provided, single submitter. Criteria: ACMG Guidelines, 2015. Collection method: clinical testing. Allele origin: germline.
Comment: This missense variant replaces alanine with valine at codon 377 of the STK11 protein. Computational prediction suggests that this variant may not impact protein structure and function . To our knowledge, functional studies have not been reported for this variant. This variant has been reported in an individual affected with colorectal cancer (PMID: 27696107). This variant has been identified in 12/241824 chromosomes in the general population by the Genome Aggregation Database (gnomAD). The available evidence is insufficient to determine the role of this variant in disease conclusively. Therefore, this variant is classified as a Variant of Uncertain Significance.

Myriad Genetics, Inc.
Classification: Uncertain significance for Peutz-Jeghers syndrome. Last evaluated: 2023-04-14. Review status: criteria provided, single submitter. Criteria: Myriad Autosomal Dominant, Autosomal Recessive and X-Linked Classification Criteria (2023). Collection method: clinical testing. Allele origin: unknown.
Comment: This variant is classified as a variant of uncertain significance as there is insufficient evidence to determine its impact on protein function and/or cancer risk.

GeneDx
Classification: Uncertain significance. Last evaluated: 2023-01-24. Review status: criteria provided, single submitter. Criteria: GeneDx Variant Classification Process June 2021. Collection method: clinical testing. Allele origin: germline. Affected: yes.
Comment: In silico analysis supports that this missense variant does not alter protein structure/function; Observed in an individual with colorectal and endometrial cancer (Rohlin et al., 2017); This variant is associated with the following publications: (PMID: 28166811, 27696107)

Ambry Genetics
Classification: Likely benign for Hereditary cancer-predisposing syndrome. Last evaluated: 2021-11-02. Review status: criteria provided, single submitter. Criteria: Ambry Variant Classification Scheme 2023. Collection method: clinical testing. Allele origin: germline.

Genome-Nilou Lab
Classification: Uncertain significance for Peutz-Jeghers syndrome. Last evaluated: 2021-07-15. Review status: criteria provided, single submitter. Criteria: ACMG Guidelines, 2015. Collection method: clinical testing. Allele origin: germline. Affected: no.

Counsyl
Classification: Uncertain significance for Peutz-Jeghers syndrome. Last evaluated: 2017-04-07. Review status: no assertion criteria provided. Collection method: clinical testing. Allele origin: unknown. Not counted in ClinVar's aggregate classification.

Dr. Peter K. Rogan Lab, Western University
No classification provided (evidence only). Condition: Colon adenocarcinoma. Review status: no classification provided. Collection method: in vitro. Allele origin: not applicable. Functional consequence: retained intron. Not counted in ClinVar's aggregate classification.

Literature cited by the submitters: PubMed 27696107 (cited by 4 submitters); PubMed 35430768 (cited by Women's Health and Genetics/Laboratory Corporation of America, LabCorp).